The following is an entry in ClinVar:

NM_000059.4(BRCA2):c.4609G>C (p.Glu1537Gln)

Gene: BRCA2 (BRCA2 DNA repair associated; plus strand). Cytogenetic location: 13q13.1.
Variant type: single nucleotide variant.
Coding change: c.4609G>C on transcript NM_000059.4 (MANE Select); coding-DNA position 4609, G replaced by C.
Protein change: p.Glu1537Gln; replaces glutamic acid 1537 with glutamine.
Molecular consequence: missense variant.
Genome position (GRCh38, 1-based): chr13:32,338,964, G>C. VCF-style: chr13-32338964-G-C. GRCh37 (hg19) VCF-style: chr13-32913101-G-C.
Other names: short protein forms E1537Q.
Identifiers: ClinVar variation 998278 (VCV000998278.10), dbSNP rs753244927, ClinGen allele CA247508135.
Genomic context (GRCh38, chr13:32,338,964, plus strand): 5'-AAAGAACCTACTCTATTGGGTTTTCATACAGCTAGCGGGAAAAAAGTTAAAATTGCAAAG[G>C]AATCTTTGGACAAAGTGAAAAACCTTTTTGATGAAAAAGAGCAAGGTACTAGTGAAATCA-3'
Protein context (NP_000050.3, residues 1527-1547): ASGKKVKIAK[Glu1537Gln]SLDKVKNLFD

ClinVar aggregate classification (germline): Conflicting classifications of pathogenicity. Review status: criteria provided, conflicting classifications (1 of 4 stars). 5 submissions from 5 submitters: Uncertain significance (4); Likely benign (1). Last evaluated 2026-01-10.

Conditions:
Hereditary breast ovarian cancer syndrome. Also called: Hereditary breast and ovarian cancer; Hereditary breast and ovarian cancer syndrome; BRCA1- and BRCA2-Associated Hereditary Breast and Ovarian Cancer; Hereditary breast and/or ovarian cancer syndrome; Hereditary breast and ovarian cancer syndrome (HBOC); Breast and ovarian cancer. Identifiers: Orphanet 145, MedGen C0677776, MeSH D061325, MONDO:0003582. Disease mechanism: loss of function.
Breast-ovarian cancer, familial, susceptibility to, 2 (BROVCA2). Also called: BRCA2 Hereditary Breast and Ovarian Cancer. Identifiers: Orphanet 145, MedGen C2675520, MONDO:0012933, OMIM 612555. Disease mechanism: loss of function.
Hereditary cancer-predisposing syndrome. Also called: Neoplastic Syndromes, Hereditary; Hereditary neoplastic syndrome; Hereditary Cancer Syndrome; Tumor predisposition. Identifiers: Orphanet 140162, MedGen C0027672, MeSH D009386, MONDO:0015356.

Allele frequency attached by ClinVar (database versions not stated): gnomAD exomes below 0.00001.
gnomAD v4.1: 2 of 1,613,792 alleles (0.00012%); highest among the groups gnomAD compares: Non-Finnish European, 0.00017%; no homozygotes.

Submissions (5):

Labcorp Genetics (formerly Invitae), Labcorp
Classification: Uncertain significance for Hereditary breast ovarian cancer syndrome. Last evaluated: 2026-01-10. Review status: criteria provided, single submitter. Criteria: Invitae Variant Classification Sherloc (09022015). Collection method: clinical testing. Allele origin: germline.
Comment: This sequence change replaces glutamic acid, which is acidic and polar, with glutamine, which is neutral and polar, at codon 1537 of the BRCA2 protein (p.Glu1537Gln). This variant is not present in population databases (gnomAD no frequency). This variant has not been reported in the literature in individuals affected with BRCA2-related conditions. ClinVar contains an entry for this variant (Variation ID: 998278). Invitae Evidence Modeling of protein sequence and biophysical properties (such as structural, functional, and spatial information, amino acid conservation, physicochemical variation, residue mobility, and thermodynamic stability) indicates that this missense variant is not expected to disrupt BRCA2 protein function with a negative predictive value of 95%. In summary, the available evidence is currently insufficient to determine the role of this variant in disease. Therefore, it has been classified as a Variant of Uncertain Significance.

GeneDx
Classification: Uncertain significance. Last evaluated: 2024-12-10. Review status: criteria provided, single submitter. Criteria: GeneDx Variant Classification Process June 2021. Collection method: clinical testing. Allele origin: germline. Affected: yes.
Comment: Not observed at significant frequency in large population cohorts (gnomAD); In silico analysis supports that this missense variant has a deleterious effect on protein structure/function; Has not been previously published as pathogenic or benign to our knowledge; Also known as 4837G>C; This variant is associated with the following publications: (PMID: 22193408, 9002670)

University of Washington Department of Laboratory Medicine, University of Washington
Classification: Likely benign for Hereditary cancer-predisposing syndrome. Last evaluated: 2023-03-23. Review status: criteria provided, single submitter. Criteria: Dines et al. (Genet Med. 2020). Collection method: curation. Allele origin: germline.
Comment: Missense variant in a coldspot region where missense variants are very unlikely to be pathogenic (PMID:31911673).

BRCA2 exon 11 coldspot. Reclassification based on statistical prior probability.

Ambry Genetics
Classification: Uncertain significance for Hereditary cancer-predisposing syndrome. Last evaluated: 2022-05-26. Review status: criteria provided, single submitter. Criteria: Ambry Variant Classification Scheme 2023. Collection method: clinical testing. Allele origin: germline.
Comment: The p.E1537Q variant (also known as c.4609G>C), located in coding exon 10 of the BRCA2 gene, results from a G to C substitution at nucleotide position 4609. The glutamic acid at codon 1537 is replaced by glutamine, an amino acid with highly similar properties. This amino acid position is conserved. In addition, the in silico prediction for this alteration is inconclusive. Since supporting evidence is limited at this time, the clinical significance of this alteration remains unclear.

Baylor Genetics
Classification: Uncertain significance for Breast-ovarian cancer, familial, susceptibility to, 2. Last evaluated: 2019-03-27. Review status: criteria provided, single submitter. Criteria: ACMG Guidelines, 2015. Collection method: clinical testing. Allele origin: maternal. Affected: yes. Study: CSER-TexasKidsCanSeq.
Comment: This variant was determined to be of uncertain significance according to ACMG Guidelines, 2015 [PMID:25741868].